The following is an entry in ClinVar:

ClinVar aggregate classification (germline): Conflicting classifications of pathogenicity. Review status: criteria provided, conflicting classifications (1 of 4 stars). 5 submissions from 5 submitters: Uncertain significance (1); Likely benign (4). Last evaluated 2026-05-01.

Conditions:
Inborn genetic diseases. Identifiers: MedGen C0950123, MeSH D030342.
Developmental delay, hypotonia, musculoskeletal defects, and behavioral abnormalities. Identifiers: MedGen C5562012, MONDO:0859202, OMIM 619595.
Floating-Harbor syndrome (FLHS). Also called: SRCAP-Related Floating-Harbor Syndrome; Short stature with delayed bone age, expressive language delay, a triangular face with a prominent nose and deep-set eyes; Pelletier-Leisti syndrome. Identifiers: Orphanet 2044, MedGen C0729582, MONDO:0007621, OMIM 136140.

Allele frequency attached by ClinVar (database versions not stated): ExAC 0.00002; gnomAD 0.00003.
gnomAD v4.1: 29 of 1,613,978 alleles (0.0018%); highest among the groups gnomAD compares: Admixed American, 0.005%; no homozygotes.

Submissions (5):

CeGaT Center for Human Genetics Tuebingen
Classification: Likely benign. Last evaluated: 2026-05-01. Review status: criteria provided, single submitter. Criteria: CeGaT Center For Human Genetics Tuebingen Variant Classification Criteria Version 2. Collection method: clinical testing. Allele origin: germline. Affected: yes. Observed: 1 variant allele.
Comment: SRCAP: BP4

Ambry Genetics
Classification: Likely benign for Inborn genetic diseases. Last evaluated: 2025-06-03. Review status: criteria provided, single submitter. Criteria: Ambry Variant Classification Scheme 2023. Collection method: clinical testing. Allele origin: germline.

Labcorp Genetics (formerly Invitae), Labcorp
Classification: Uncertain significance. Last evaluated: 2025-04-28. Review status: criteria provided, single submitter. Criteria: Invitae Variant Classification Sherloc (09022015). Collection method: clinical testing. Allele origin: germline.
Comment: This sequence change replaces alanine, which is neutral and non-polar, with valine, which is neutral and non-polar, at codon 1591 of the SRCAP protein (p.Ala1591Val). This variant is present in population databases (rs769281819, gnomAD 0.03%). This variant has not been reported in the literature in individuals affected with SRCAP-related conditions. ClinVar contains an entry for this variant (Variation ID: 1895730). Invitae Evidence Modeling of protein sequence and biophysical properties (such as structural, functional, and spatial information, amino acid conservation, physicochemical variation, residue mobility, and thermodynamic stability) indicates that this missense variant is not expected to disrupt SRCAP protein function with a negative predictive value of 80%. In summary, the available evidence is currently insufficient to determine the role of this variant in disease. Therefore, it has been classified as a Variant of Uncertain Significance.

Fulgent Genetics
Classification: Likely benign for Floating-Harbor syndrome; Developmental delay, hypotonia, musculoskeletal defects, and behavioral abnormalities. Last evaluated: 2024-02-20. Review status: criteria provided, single submitter. Criteria: ACMG Guidelines, 2015. Collection method: clinical testing. Allele origin: germline.

Blueprint Genetics
Classification: Likely benign. Last evaluated: 2024-01-11. Review status: criteria provided, single submitter. Criteria: ACMG Guidelines, 2015. Collection method: clinical testing. Allele origin: germline.

NM_006662.3(SRCAP):c.4772C>T (p.Ala1591Val)

Gene: SRCAP (Snf2 related CREBBP activator protein; plus strand). Cytogenetic location: 16p11.2.
Variant type: single nucleotide variant.
Coding change: c.4772C>T on transcript NM_006662.3 (MANE Select); coding-DNA position 4772, C replaced by T.
Protein change: p.Ala1591Val; replaces alanine 1591 with valine.
Molecular consequence: missense variant.
Genome position (GRCh38, 1-based): chr16:30,724,196, C>T. VCF-style: chr16-30724196-C-T. GRCh37 (hg19) VCF-style: chr16-30735517-C-T.
Other names: c.4772C>T (NM_006662.2); short protein forms A1591V.
Identifiers: ClinVar variation 1895730 (VCV001895730.10), dbSNP rs769281819, ClinGen allele CA8011819.
Genomic context (GRCh38, chr16:30,724,196, plus strand): 5'-CCCTTCTGGCTCCAGCATCTTCTGCATCTCAGGCTCTAGCCACCCCTCTGGCTCCTATGG[C>T]GGCTCCACAGACAGCAATTCTGGCTCCTTCTCCAGCTCCTCCTCTGGCTCCTCTTCCGGT-3'
Protein context (NP_006653.2, residues 1581-1601): QALATPLAPM[Ala1591Val]APQTAILAPS